The following is an entry in ClinVar:

NM_000620.5(NOS1):c.432A>G (p.Glu144=)

Gene: NOS1 (nitric oxide synthase 1; minus strand). Cytogenetic location: 12q24.22.
Variant type: single nucleotide variant.
Coding change: c.432A>G on transcript NM_000620.5 (MANE Select); coding-DNA position 432, A replaced by G.
Protein change: p.Glu144=; no amino-acid change (glutamic acid 144 retained).
Molecular consequence: synonymous variant.
Genome position (GRCh38, 1-based): chr12:117,330,638, T>C on the plus strand (A>G on the coding strand, the complement: NOS1 is on the minus strand). VCF-style: chr12-117330638-T-C. GRCh37 (hg19) VCF-style: chr12-117768443-T-C.
Other names: c.432A>G, p.Glu144= (NM_001204218.2).
Identifiers: ClinVar variation 3047601 (VCV003047601.2), dbSNP rs372667819, ClinGen allele CA6815458.

ClinVar aggregate classification (germline): Likely benign (0 of 4 stars; one submission).

Conditions:
NOS1-related disorder. Also called: NOS1-related condition.

Allele frequency attached by ClinVar (database versions not stated): ExAC 0.00001; gnomAD 0.00001; gnomAD exomes 0.00002; ESP Exome Variant Server 0.00008.
gnomAD v4.1: 35 of 1,611,664 alleles (0.0022%); highest among the groups gnomAD compares: Non-Finnish European, 0.0027%; no homozygotes.

Submission:

PreventionGenetics, part of Exact Sciences
Classification: Likely benign for NOS1-related condition. Last evaluated: 2019-02-21. Review status: no assertion criteria provided. Collection method: clinical testing. Allele origin: germline.
Comment: This variant is classified as likely benign based on ACMG/AMP sequence variant interpretation guidelines (Richards et al. 2015 PMID: 25741868, with internal and published modifications).